The following is an entry in ClinVar:

NM_003611.3(OFD1):c.964A>G (p.Lys322Glu)

Gene: OFD1 (OFD1 centriole and centriolar satellite protein; plus strand). Cytogenetic location: Xp22.2.
Variant type: single nucleotide variant.
Coding change: c.964A>G on transcript NM_003611.3 (MANE Select); coding-DNA position 964, A replaced by G.
Protein change: p.Lys322Glu; replaces lysine 322 with glutamic acid.
Molecular consequence: missense variant. On other transcripts: intron variant (1).
Genome position (GRCh38, 1-based): chrX:13,751,277, A>G. VCF-style: chrX-13751277-A-G. GRCh37 (hg19) VCF-style: chrX-13769396-A-G.
Other names: c.544A>G, p.Lys182Glu (NM_001330210.2); c.935+1744A>G (NM_001330209.2); short protein forms K322E, K182E.
Identifiers: ClinVar variation 3302191 (VCV003302191.3).
Genomic context (GRCh38, chrX:13,751,277, plus strand): 5'-TTATTTACTTTTTATATTTTTGTTAATTTCAGGAACCAGAAGCTCCAGGAAGAAAAACAT[A>G]AAAGCATAACTGAGGCACTTAGGAGACAGGAGCAGAATATAAAGAGTTTTGAGGAGACCT-3'
Protein context (NP_003602.1, residues 312-332): LNQKLQEEKH[Lys322Glu]SITEALRRQE

ClinVar aggregate classification (germline): Uncertain significance. Review status: criteria provided, multiple submitters, no conflicts (2 of 4 stars). 2 submissions from 2 submitters: Uncertain significance (2). Last evaluated 2024-06-16.

Conditions:
Joubert syndrome. Also called: JOUBERT-BOLTSHAUSER SYNDROME; Familial aplasia of the vermis. Identifiers: Orphanet 475, MedGen C5979921, MONDO:0018772.
Orofaciodigital syndrome I (OFD1). Also called: OFDS I; Papillon-Leage and Psaume Syndrome; Oral-Facial-Digital Syndrome Type I. Identifiers: Orphanet 2750, MedGen C1510460, MONDO:0010702, OMIM 311200.
Primary ciliary dyskinesia. Also called: Ciliary dyskinesia. Identifiers: Orphanet 244, MedGen C0008780, MONDO:0016575, HP:0012265.

gnomAD v4.1: 4 of 1,208,173 alleles (0.00033%); highest among the groups gnomAD compares: Middle Eastern, 0.024%; no homozygotes.

Submissions (2):

Ambry Genetics
Classification: Uncertain significance for Primary ciliary dyskinesia. Last evaluated: 2024-06-16. Review status: criteria provided, single submitter. Criteria: Ambry Variant Classification Scheme 2023. Collection method: clinical testing. Allele origin: germline.

Labcorp Genetics (formerly Invitae), Labcorp
Classification: Uncertain significance for Orofaciodigital syndrome I; Joubert syndrome. Last evaluated: 2024-05-12. Review status: criteria provided, single submitter. Criteria: Invitae Variant Classification Sherloc (09022015). Collection method: clinical testing. Allele origin: germline.
Comment: This sequence change replaces lysine, which is basic and polar, with glutamic acid, which is acidic and polar, at codon 322 of the OFD1 protein (p.Lys322Glu). This variant is present in population databases (rs752818939, gnomAD 0.001%). This variant has not been reported in the literature in individuals affected with OFD1-related conditions. Advanced modeling of protein sequence and biophysical properties (such as structural, functional, and spatial information, amino acid conservation, physicochemical variation, residue mobility, and thermodynamic stability) performed at Invitae indicates that this missense variant is not expected to disrupt OFD1 protein function with a negative predictive value of 80%. In summary, the available evidence is currently insufficient to determine the role of this variant in disease. Therefore, it has been classified as a Variant of Uncertain Significance.